The following is an entry in ClinVar:

ClinVar aggregate classification (germline): Likely benign (0 of 4 stars; one submission).

Conditions:
GALC-related disorder. Also called: GALC-related condition.

gnomAD v4.1: 37 of 1,543,400 alleles (0.0024%); highest among the groups gnomAD compares: African/African-American, 0.0082%; no homozygotes.

Submission:

PreventionGenetics, part of Exact Sciences
Classification: Likely benign for GALC-related condition. Last evaluated: 2019-03-28. Review status: no assertion criteria provided. Collection method: clinical testing. Allele origin: germline.
Comment: This variant is classified as likely benign based on ACMG/AMP sequence variant interpretation guidelines (Richards et al. 2015 PMID: 25741868, with internal and published modifications).

NM_001201402.2(GALC):c.117+142A>G

Gene: GALC (galactosylceramidase; minus strand). Cytogenetic location: 14q31.3.
Variant type: single nucleotide variant.
Coding change: c.117+142A>G on transcript NM_001201402.2; 142 bases into the intron after coding-DNA position 117, A replaced by G.
Molecular consequence: intron variant.
Genome position (GRCh38, 1-based): chr14:87,993,241, T>C on the plus strand (A>G on the coding strand, the complement: GALC is on the minus strand). VCF-style: chr14-87993241-T-C. GRCh37 (hg19) VCF-style: chr14-88459585-T-C.
Other names: c.-473+142A>G (NM_001424076.1).
Identifiers: ClinVar variation 3039108 (VCV003039108.2), dbSNP rs771211876, ClinGen allele CA265469479.
Genomic context (GRCh38, chr14:87,993,241, plus strand): 5'-CTCCGGCGCCCAGGGAGGCGGGTCCCGTCGCCGCCACGATAGATACGGGCAGGAGGCCGC[T>C]GATGCTGACGCCGCCGCCGCCATTTTGAGTGCGGGTCAAGGGCCTCTGACGCAGCTGGCG-3'